The following is an entry in ClinVar:

NM_015261.3(NCAPD3):c.64+10T>G

Gene: NCAPD3 (non-SMC condensin II complex subunit D3; minus strand). Cytogenetic location: 11q25.
Variant type: single nucleotide variant.
Coding change: c.64+10T>G on transcript NM_015261.3 (MANE Select); 10 bases into the intron after coding-DNA position 64, T replaced by G.
Molecular consequence: intron variant.
Genome position (GRCh38, 1-based): chr11:134,223,853, A>C on the plus strand (T>G on the coding strand, the complement: NCAPD3 is on the minus strand). VCF-style: chr11-134223853-A-C. GRCh37 (hg19) VCF-style: chr11-134093747-A-C.
Other names: c.-452+10T>G (NM_001372070.1); c.-188+10T>G (NM_001372069.1); c.64+10T>G (NM_001372065.1, NM_001372068.1).
Identifiers: ClinVar variation 3356006 (VCV003356006.1).

ClinVar aggregate classification (germline): Likely benign (0 of 4 stars; one submission).

Conditions:
NCAPD3-related disorder. Also called: NCAPD3-related condition.

gnomAD v4.1: 5 of 1,611,450 alleles (0.00031%); highest among the groups gnomAD compares: Admixed American, 0.0083%; no homozygotes.

Submission:

PreventionGenetics, part of Exact Sciences
Classification: Likely benign for NCAPD3-related condition. Last evaluated: 2024-07-19. Review status: no assertion criteria provided. Collection method: clinical testing. Allele origin: germline.
Comment: This variant is classified as likely benign based on ACMG/AMP sequence variant interpretation guidelines (Richards et al. 2015 PMID: 25741868, with internal and published modifications).